The following is an entry in ClinVar:

NM_033028.5(BBS4):c.55C>T (p.Gln19Ter)

Gene: BBS4 (Bardet-Biedl syndrome 4; plus strand). Cytogenetic location: 15q24.1.
Variant type: single nucleotide variant.
Coding change: c.55C>T on transcript NM_033028.5 (MANE Select); coding-DNA position 55, C replaced by T.
Protein change: p.Gln19Ter; replaces glutamine 19 with a stop codon.
Molecular consequence: nonsense. On other transcripts: non-coding transcript variant (2), intron variant (1).
Genome position (GRCh38, 1-based): chr15:72,695,207, C>T. VCF-style: chr15-72695207-C-T. GRCh37 (hg19) VCF-style: chr15-72987548-C-T.
Other names: c.55C>T, p.Gln19Ter (NM_001320665.2); c.-446+8956C>T (NM_001252678.2); short protein forms Q19*.
Identifiers: ClinVar variation 2680040 (VCV002680040.4), dbSNP rs2542892124, ClinGen allele CA393075548.

ClinVar aggregate classification (germline): Pathogenic/Likely pathogenic. Review status: criteria provided, multiple submitters, no conflicts (2 of 4 stars). 2 submissions from 2 submitters: Pathogenic (1); Likely pathogenic (1). Last evaluated 2023-12-12.

Conditions:
Bardet-Biedl syndrome (BBS). Identifiers: Orphanet 110, MedGen C0752166, MONDO:0015229.
Bardet-Biedl syndrome 4 (BBS4). Identifiers: Orphanet 110, MedGen C2936864, MONDO:0014433, OMIM 615982.

Submissions (2):

Labcorp Genetics (formerly Invitae), Labcorp
Classification: Pathogenic for Bardet-Biedl syndrome. Last evaluated: 2023-12-12. Review status: criteria provided, single submitter. Criteria: Invitae Variant Classification Sherloc (09022015). Collection method: clinical testing. Allele origin: germline.
Comment: This sequence change creates a premature translational stop signal (p.Gln19*) in the BBS4 gene. It is expected to result in an absent or disrupted protein product. Loss-of-function variants in BBS4 are known to be pathogenic (PMID: 11381270, 12016587, 20177705, 27894351). This variant is not present in population databases (gnomAD no frequency). This variant has not been reported in the literature in individuals affected with BBS4-related conditions. Algorithms developed to predict the effect of sequence changes on RNA splicing suggest that this variant may disrupt the consensus splice site. For these reasons, this variant has been classified as Pathogenic.

Baylor Genetics
Classification: Likely pathogenic for Bardet-Biedl syndrome 4. Last evaluated: 2023-08-16. Review status: criteria provided, single submitter. Criteria: ACMG Guidelines, 2015. Collection method: clinical testing. Allele origin: unknown.

Literature cited by the submitters: PubMed 11381270 (cited by Labcorp Genetics (formerly Invitae), Labcorp); PubMed 12016587 (cited by Labcorp Genetics (formerly Invitae), Labcorp); PubMed 20177705 (cited by Labcorp Genetics (formerly Invitae), Labcorp); PubMed 27894351 (cited by Labcorp Genetics (formerly Invitae), Labcorp).